The following is an entry in ClinVar:

ClinVar aggregate classification (germline): Uncertain significance (1 of 4 stars; one submission).

Submission:

Labcorp Genetics (formerly Invitae), Labcorp
Classification: Uncertain significance. Last evaluated: 2022-07-25. Review status: criteria provided, single submitter. Criteria: Invitae Variant Classification Sherloc (09022015). Collection method: clinical testing. Allele origin: germline.
Comment: In summary, the available evidence is currently insufficient to determine the role of this variant in disease. Therefore, it has been classified as a Variant of Uncertain Significance. Algorithms developed to predict the effect of missense changes on protein structure and function (SIFT, PolyPhen-2, Align-GVGD) all suggest that this variant is likely to be tolerated. ClinVar contains an entry for this variant (Variation ID: 1433244). This variant has not been reported in the literature in individuals affected with RCBTB1-related conditions. This variant is not present in population databases (gnomAD no frequency). This sequence change replaces asparagine, which is neutral and polar, with lysine, which is basic and polar, at codon 236 of the RCBTB1 protein (p.Asn236Lys).

NM_018191.4(RCBTB1):c.708C>A (p.Asn236Lys)

Gene: RCBTB1 (RCC1 and BTB domain containing protein 1; minus strand). Cytogenetic location: 13q14.2.
Variant type: single nucleotide variant.
Coding change: c.708C>A on transcript NM_018191.4 (MANE Select); coding-DNA position 708, C replaced by A.
Protein change: p.Asn236Lys; replaces asparagine 236 with lysine.
Molecular consequence: missense variant. On other transcripts: non-coding transcript variant (2).
Genome position (GRCh38, 1-based): chr13:49,552,181, G>T on the plus strand (C>A on the coding strand, the complement: RCBTB1 is on the minus strand). VCF-style: chr13-49552181-G-T. GRCh37 (hg19) VCF-style: chr13-50126317-G-T.
Other names: c.708C>A, p.Asn236Lys (NM_001352500.2, NM_001352501.2, NM_001352502.2 and 3 more transcripts); c.129C>A, p.Asn43Lys (NM_001352506.2); short protein forms N43K, N236K.
Identifiers: ClinVar variation 1433244 (VCV001433244.8), dbSNP rs2139186085, ClinGen allele CA388190803.
Genomic context (GRCh38, chr13:49,552,181, plus strand): 5'-AAGTTAGAGCAAGGAAGGTAGATGGGAAGCCACTAACTGAGAGTGCACCACACGTACCTG[G>T]TTCACACACACGCTGTGCAAAGCTGCCACTCTCACAGGGGTCAGCTGGTTGCCATTGTTT-3'
Protein context (NP_060661.3, residues 226-246): RVAALHSVCV[Asn236Lys]QIVCGYAHTL